The following is an entry in ClinVar:

NM_005902.4(SMAD3):c.728G>A (p.Arg243His)

Gene: SMAD3 (SMAD family member 3; plus strand). Cytogenetic location: 15q22.33.
Variant type: single nucleotide variant.
Coding change: c.728G>A on transcript NM_005902.4 (MANE Select); coding-DNA position 728, G replaced by A.
Protein change: p.Arg243His; replaces arginine 243 with histidine.
Molecular consequence: missense variant.
Genome position (GRCh38, 1-based): chr15:67,181,310, G>A. VCF-style: chr15-67181310-G-A. GRCh37 (hg19) VCF-style: chr15-67473648-G-A.
Other names: p.R243H:CGC>CAC; c.413G>A, p.Arg138His (NM_001145102.2); c.596G>A, p.Arg199His (NM_001145103.2); c.143G>A, p.Arg48His (NM_001145104.2); short protein forms R243H, R199H, R138H, R48H.
Identifiers: ClinVar variation 213761 (VCV000213761.18), dbSNP rs863223736, ClinGen allele CA321332.

ClinVar aggregate classification (germline): Conflicting classifications of pathogenicity. Review status: criteria provided, conflicting classifications (1 of 4 stars). 5 submissions from 5 submitters: Pathogenic (1); Likely pathogenic (1); Uncertain significance (3). Last evaluated 2026-05-19.

Conditions:
Familial aortopathy. Identifiers: MedGen CN078214.
Familial thoracic aortic aneurysm and aortic dissection (TAAD). Also called: Thoracic aortic aneurysms and dissections. Identifiers: Orphanet 91387, MedGen C4707243, MONDO:0019625.

Allele frequency attached by ClinVar (database versions not stated): gnomAD exomes 0.00001 and below 0.00001; TOPMed below 0.00001.
gnomAD v4.1: 5 of 1,613,962 alleles (0.00031%); highest among the groups gnomAD compares: Admixed American, 0.0017%; no homozygotes.

Submissions (5):

Ambry Genetics
Classification: Likely pathogenic for Familial thoracic aortic aneurysm and aortic dissection. Last evaluated: 2026-05-19. Review status: criteria provided, single submitter. Criteria: Ambry Variant Classification Scheme 2023. Collection method: clinical testing. Allele origin: germline.
Comment: The p.R243H variant (also known as c.728G>A), located in coding exon 6 of the SMAD3 gene, results from a G to A substitution at nucleotide position 728. The arginine at codon 243 is replaced by histidine, an amino acid with highly similar properties. This variant was reported in individual(s) with features consistent with SMAD3-related thoracic aortic aneurysm and dissection (TAAD) (Li J et al. Sci China Life Sci, 2019 Dec;62:1630-1637; Ambry internal data; external communication). This amino acid position is highly conserved in available vertebrate species. In addition, this alteration is predicted to be deleterious by in silico analysis. This variant is considered to be rare based on population cohorts in the Genome Aggregation Database (gnomAD). Based on the majority of available evidence to date, this variant is likely to be pathogenic.

Color Diagnostics, LLC DBA Color Health
Classification: Uncertain significance for Familial thoracic aortic aneurysm and aortic dissection. Last evaluated: 2025-07-01. Review status: criteria provided, single submitter. Criteria: ACMG Guidelines, 2015. Collection method: clinical testing. Allele origin: germline.
Comment: This missense variant replaces arginine with histidine at codon 243 of the SMAD3 protein. Computational prediction suggests that this variant may have a deleterious impact on protein structure and function. To our knowledge, functional studies have not been reported for this variant. This variant has not been reported in individuals affected with SMAD3-related disorders in the literature. This variant has been identified in 1/251082 chromosomes in the general population by the Genome Aggregation Database (gnomAD). The available evidence is insufficient to determine the role of this variant in disease conclusively. Therefore, this variant is classified as a Variant of Uncertain Significance.

Labcorp Genetics (formerly Invitae), Labcorp
Classification: Pathogenic for Familial thoracic aortic aneurysm and aortic dissection. Last evaluated: 2025-02-02. Review status: criteria provided, single submitter. Criteria: Invitae Variant Classification Sherloc (09022015). Collection method: clinical testing. Allele origin: germline.
Comment: This sequence change replaces arginine, which is basic and polar, with histidine, which is basic and polar, at codon 243 of the SMAD3 protein (p.Arg243His). This variant is present in population databases (no rsID available, gnomAD 0.003%). This missense change has been observed in individuals with clinical features of SMAD3-related conditions (PMID: 31098894; internal data). It has also been observed to segregate with disease in related individuals. This variant is also known as c.143G>A (p.Arg48His). ClinVar contains an entry for this variant (Variation ID: 213761). Invitae Evidence Modeling of protein sequence and biophysical properties (such as structural, functional, and spatial information, amino acid conservation, physicochemical variation, residue mobility, and thermodynamic stability) indicates that this missense variant is expected to disrupt SMAD3 protein function with a positive predictive value of 80%. This variant disrupts the p.Arg243 amino acid residue in SMAD3. Other variant(s) that disrupt this residue have been determined to be pathogenic (internal data). This suggests that this residue is clinically significant, and that variants that disrupt this residue are likely to be disease-causing. For these reasons, this variant has been classified as Pathogenic.

GeneDx
Classification: Uncertain significance. Last evaluated: 2023-09-17. Review status: criteria provided, single submitter. Criteria: GeneDx Variant Classification Process June 2021. Collection method: clinical testing. Allele origin: germline. Affected: yes.
Comment: Not observed at significant frequency in large population cohorts (gnomAD); In silico analysis supports that this missense variant has a deleterious effect on protein structure/function; Identified in an individual with high myopia and aoritic aneurysm who inherited the variant from a reportedly affected parent (Li et al., 2019); This variant is associated with the following publications: (PMID: 31098894)

Royal Brompton Clinical Genetics And Genomics Laboratory, NHS South East Genomic Laboratory Hub
Classification: Uncertain significance for Aortopathy. Last evaluated: 2017-09-13. Review status: criteria provided, single submitter. Criteria: RBHT-CGGL ClinVar Assertion Criteria. Collection method: clinical testing. Allele origin: germline. Affected: yes. Observed: 1 variant allele.
Comment: SMAD3 c.728G>A: SMAD3 is involved in transcriptional regulation and cell proliferation pathways, and pathogenic variants are associated with Loeys-Dietz syndrome type 3 and Aneurysms-osteoarthritis syndrome (AOS). To the best of our knowledge this variant has not been reported as disease-causing or as a benign polymorphism and has been detected at an extremely low frequency in control populations (1/245912 alleles; gnomAD database). Another clinical laboratory has detected this variant in at least one patient with TAAD, however they also harboured a pathogenic variant in a different disease-related gene (ClinVar variation ID 213761). The p.Arg243 amino acid residue is highly evolutionarily conserved, however missense prediction algorithms do not provide strong support for or against an impact to the protein.

Literature cited by the submitters: PubMed 31098894 (cited by Ambry Genetics and Labcorp Genetics (formerly Invitae), Labcorp).